The following is an entry in ClinVar:

ClinVar aggregate classification (germline): Benign. Review status: criteria provided, single submitter (1 of 4 stars). 2 submissions from 1 submitter: Benign (2). Last evaluated 2017-08-02.

Conditions:
Hypoalphalipoproteinemia, primary, 1. Identifiers: Orphanet 425, MedGen C5231558, MONDO:0011393, OMIM 604091.
Tangier disease (TGD). Also called: HIGH DENSITY LIPOPROTEIN DEFICIENCY, TANGIER TYPE; HIGH DENSITY LIPOPROTEIN DEFICIENCY, TYPE 1; Cholesterol thesaurismosis. Identifiers: Orphanet 31150, MedGen C0039292, MONDO:0008783, OMIM 205400.

Allele frequency attached by ClinVar (database versions not stated): TOPMed 0.00029; gnomAD exomes 0.00059; gnomAD 0.00080 and 0.00082; 1000 Genomes Project 30x 0.00094; 1000 Genomes Project 0.00100.
gnomAD v4.1: 162 of 216,780 alleles (0.075%); highest among the groups gnomAD compares: Non-Finnish European, 0.062%; 2 homozygotes.

Submissions (2):

Illumina Laboratory Services, Illumina
Classification: Benign for Tangier disease. Last evaluated: 2017-08-02. Review status: criteria provided, single submitter. Criteria: ICSL Variant Classification Criteria 13 December 2019. Collection method: clinical testing. Allele origin: germline.
Comment: This variant was observed as part of a predisposition screen in an ostensibly healthy population. A literature search was performed for the gene, cDNA change, and amino acid change (where applicable). Publications were found based on this search. The evidence from the literature, in combination with allele frequency data from public databases where available, was sufficient to rule this variant out of causing disease. Therefore, this variant is classified as benign.

Illumina Laboratory Services, Illumina
Classification: Benign for Hypoalphalipoproteinemia, primary, 1. Last evaluated: 2017-08-02. Review status: criteria provided, single submitter. Criteria: ICSL Variant Classification Criteria 13 December 2019. Collection method: clinical testing. Allele origin: germline.
Comment: the same text as in the submission from Illumina Laboratory Services, Illumina above.

Literature cited by the submitters: PubMed 22923420; PubMed 24497850.

NM_005502.4(ABCA1):c.*342G>T

Genes: ABCA1 (ATP binding cassette subfamily A member 1; minus strand), NIPSNAP3B (nipsnap homolog 3B; plus strand). Cytogenetic location: 9q31.1.
Variant type: single nucleotide variant.
Coding change: c.*342G>T on transcript NM_005502.4 (MANE Select); 342 bases downstream of the stop codon, G replaced by T.
Molecular consequence: 3 prime UTR variant.
Genome position (GRCh38, 1-based): chr9:104,783,973, C>A on the plus strand (G>T on the coding strand, the complement: ABCA1 is on the minus strand). VCF-style: chr9-104783973-C-A. GRCh37 (hg19) VCF-style: chr9-107546254-C-A.
Identifiers: ClinVar variation 912707 (VCV000912707.4), dbSNP rs146987516, ClinGen allele CA197395591.